The following continues an entry in ClinVar:

NM_005670.4(EPM2A):c.721C>T (p.Arg241Ter)

Gene: EPM2A. ClinVar aggregate classification (germline): Pathogenic/Likely pathogenic. Pathogenic (13); Likely pathogenic (1).

Submissions 13 to 19 of 19:

Fulgent Genetics
Classification: Pathogenic for Myoclonic epilepsy of Lafora 1. Last evaluated: 2018-10-31. Review status: criteria provided, single submitter. Criteria: ACMG Guidelines, 2015. Collection method: clinical testing. Allele origin: unknown.

Knight Diagnostic Laboratories, Oregon Health and Sciences University
Classification: Pathogenic for Myoclonic epilepsy of Lafora 1. Last evaluated: 2016-06-27. Review status: criteria provided, single submitter. Criteria: ACMG Guidelines, 2015. Collection method: clinical testing. Allele origin: germline. Affected: no. Study: CSER-NextGen.
Comment: The c.721C>T (p.Arg241*) nonsense variant in the EPM2A gene has been previously reported in multiple individuals in more than twenty families affected with Myoclonic Epilepsy of Lafora (Minassian et al., 1998; Harirchian et al., 2011; Ganesh et al., 2002; Jansen and Andermann, 2015). The prevalence of this variant is higher in cases than controls. In addition, multiple pathogenic truncating variants have been reported downstream of this variant. In one individual, it was observed in trans with a known pathogenic variant, Gly279Ser (Minassian et al., 1998). This variant is within the phosphatase catalytic domain and an in vitro functional assay demonstrated that this variant resulted in complete loss of phosphatase activity and glycogen binding capacity (Fernandez-Sanchez et al., 2003). This variant is absent (Exome Sequencing Project, 1000 Genomes) or present at very low frequency in the population databases (ExAC = 0.012%). Multiple in silico algorithms predict this variant to have a deleterious effect (GERP=4.78; CADD = 39; SPIDEX=-3.399). GeneDx has classified this variant as Pathogenic. Therefore, this collective evidence supports the classification of the c.721C>T (p.Arg241*) as a Pathogenic variant for Myoclonic Epilepsy of Lafora. We have confirmed this finding in our laboratory using Sanger sequencing.

PreventionGenetics, part of Exact Sciences
Classification: Pathogenic for EPM2A-related condition. Last evaluated: 2024-09-09. Review status: no assertion criteria provided. Collection method: clinical testing. Allele origin: germline. Not counted in ClinVar's aggregate classification.
Comment: The EPM2A c.721C>T variant is predicted to result in premature protein termination (p.Arg241*). This variant was reported in patients with progressive myoclonus epilepsy (Jara-Prado et al. 2014. PubMed ID: 25246353; El Tahry et al. 2015. PubMed ID: 25481721). This variant is reported in 0.020% of alleles in individuals of Latino descent in gnomAD. Nonsense variants in EPM2A are expected to be pathogenic. This variant is interpreted as pathogenic.

OMIM
Classification: Pathogenic for MYOCLONIC EPILEPSY OF LAFORA 1. Last evaluated: 2000-12-01. Review status: no assertion criteria provided. Collection method: literature only. Allele origin: germline. Not counted in ClinVar's aggregate classification.

Clinical Genetics DNA and cytogenetics Diagnostics Lab, Erasmus MC, Erasmus Medical Center
Classification: Likely pathogenic. Review status: no assertion criteria provided. Collection method: clinical testing. Allele origin: germline. Affected: yes. Study: VKGL Data-share Consensus. Not counted in ClinVar's aggregate classification.

GeneReviews
No classification provided. Condition: Lafora disease. Review status: no classification provided. Collection method: literature only. Allele origin: germline. Not counted in ClinVar's aggregate classification.

Genome Diagnostics Laboratory, University Medical Center Utrecht
Classification: Pathogenic. Review status: no assertion criteria provided. Collection method: clinical testing. Allele origin: germline. Affected: yes. Study: VKGL Data-share Consensus. Not counted in ClinVar's aggregate classification.

Literature cited by the submitters: PubMed 9771710 (cited by 4 submitters); PubMed 21623095 (cited by 4 submitters); PubMed 25246353 (cited by 3 submitters); PubMed 20738377 (cited by Ambry Genetics); PubMed 22047982 (cited by Ambry Genetics); PubMed 33773408 (cited by Ambry Genetics and Illumina Laboratory Services, Illumina); PubMed 37448753 (cited by Ambry Genetics); PubMed 34755096 (cited by Illumina Laboratory Services, Illumina); PubMed 11175283 (cited by 3 submitters); PubMed 9931343 (cited by OMIM); NCBI Bookshelf NBK1389 (cited by GeneReviews); PubMed 12019207 (cited by GeneReviews).